The following is an entry in ClinVar:

NM_015419.4(MXRA5):c.8024A>G (p.Asn2675Ser)

Gene: MXRA5 (matrix remodeling associated 5; minus strand). Cytogenetic location: Xp22.33.
Variant type: single nucleotide variant.
Coding change: c.8024A>G on transcript NM_015419.4 (MANE Select); coding-DNA position 8024, A replaced by G.
Protein change: p.Asn2675Ser; replaces asparagine 2675 with serine.
Molecular consequence: missense variant.
Genome position (GRCh38, 1-based): chrX:3,310,179, T>C on the plus strand (A>G on the coding strand, the complement: MXRA5 is on the minus strand). VCF-style: chrX-3310179-T-C. GRCh37 (hg19) VCF-style: chrX-3228220-T-C.
Other names: short protein forms N2675S.
Identifiers: ClinVar variation 2659875 (VCV002659875.24), dbSNP rs143876565, ClinGen allele CA10339316.

ClinVar aggregate classification (germline): Likely benign (1 of 4 stars; one submission).

Allele frequency attached by ClinVar (database versions not stated): ExAC 0.00023; gnomAD exomes 0.00023; 1000 Genomes Project 0.00053; ESP Exome Variant Server 0.00057; gnomAD 0.00039; 1000 Genomes Project 30x 0.00042; TOPMed 0.00046.
gnomAD v4.1: 291 of 1,209,731 alleles (0.024%); highest among the groups gnomAD compares: African/African-American, 0.051%; no homozygotes.

Submission:

CeGaT Center for Human Genetics Tuebingen
Classification: Likely benign. Last evaluated: 2022-11-01. Review status: criteria provided, single submitter. Criteria: CeGaT Center For Human Genetics Tuebingen Variant Classification Criteria Version 2. Collection method: clinical testing. Allele origin: germline. Affected: yes. Observed: 1 variant allele.
Comment: MXRA5: BP4, BS2